The following is an entry in ClinVar:

ClinVar aggregate classification (germline): Benign. Review status: reviewed by expert panel (3 of 4 stars). 2 submissions from 2 submitters: Benign (1). 1 of the submissions does not count toward it. Last evaluated 2026-05-19.

Conditions:
PIK3R1-related immunodeficiency and SHORT syndrome. Identifiers: MedGen CN379774, MONDO:1060136.

Allele frequency attached by ClinVar (database versions not stated): gnomAD 0.12726 and 0.13001; TOPMed 0.12881; 1000 Genomes Project 30x 0.15303; 1000 Genomes Project 0.15675.
gnomAD v4.1: 19,741 of 152,164 alleles (13%); highest among the groups gnomAD compares: South Asian, 21%; 1,330 homozygotes.

Submissions (2):

ClinGen Primary Immune Regulatory Disorders Variant Curation Expert Panel, ClinGen
Classification: Benign for PIK3R1-related immunodeficiency and SHORT syndrome. Last evaluated: 2026-05-19. Review status: reviewed by expert panel. Criteria: ClinGen AbDef ACMG Specifications PIK3R1 V1.0.0. Collection method: curation. Allele origin: germline. Inheritance: Autosomal dominant inheritance.
Comment: NM_181523.3(PIK3R1):c.1425+252G>A is an intron 11 variant that does not have a predicted impact at splicing sites (BP7). The splicing impact predictor SpliceAI gives a score of 0.00 for all splicing events, which is below the ClinGen Antibody Deficiencies VCEP recommended threshold of <0.1 and does not predict an impact on splicing (BP4). This variant is present in gnomAD v4.1.0 at a GrpMax allele frequency of 0.1953, with 994 alleles / 4,826 total alleles in the South Asian population, which is higher than the ClinGen Antibody Deficiencies VCEP BA1 threshold of >0.00316 (BA1). No cases of the variant segregating in PIK3R1-related immunodeficiency and SHORT syndrome were found in the literature. In summary, this variant meets the criteria to be classified as benign for autosomal dominant PIK3R1-related immunodeficiency and SHORT syndrome based on the ACMG/AMP criteria applied, as specified by the ClinGen Antibody Deficiencies VCEP: BA1, BP4, and BP7. (VCEP specifications version 1.0.0; date of approval 04/29/2026).

GeneDx
Classification: Benign. Last evaluated: 2018-07-07. Review status: criteria provided, single submitter. Criteria: GeneDx Variant Classification Process June 2021. Collection method: clinical testing. Allele origin: germline. Affected: yes. Not counted in ClinVar's aggregate classification.

NM_181523.3(PIK3R1):c.1425+252G>A

Gene: PIK3R1 (phosphoinositide-3-kinase regulatory subunit 1; plus strand). Cytogenetic location: 5q13.1.
Variant type: single nucleotide variant.
Coding change: c.1425+252G>A on transcript NM_181523.3 (MANE Select); 252 bases into the intron after coding-DNA position 1425, G replaced by A.
Molecular consequence: intron variant.
Genome position (GRCh38, 1-based): chr5:68,294,086, G>A. VCF-style: chr5-68294086-G-A. GRCh37 (hg19) VCF-style: chr5-67589914-G-A.
Other names: c.525+252G>A (NM_181524.2); c.615+252G>A (NM_181504.4); c.336+252G>A (NM_001242466.2).
Identifiers: ClinVar variation 1239440 (VCV001239440.4), dbSNP rs12659907, ClinGen allele CA12100083.